The following is an entry in ClinVar:

ClinVar aggregate classification (germline): Conflicting classifications of pathogenicity. Review status: criteria provided, conflicting classifications (1 of 4 stars). 4 submissions from 4 submitters: Uncertain significance (3); Likely benign (1). Last evaluated 2025-01-28.

Conditions:
Charcot-Marie-Tooth disease axonal type 2O. Also called: CHARCOT-MARIE-TOOTH NEUROPATHY, AXONAL, TYPE 2O; CHARCOT-MARIE-TOOTH DISEASE, AXONAL, AUTOSOMAL DOMINANT, TYPE 2O; Charcot-Marie-Tooth Neuropathy Type 2O; Charcot-Marie-Tooth disease, axonal, type 20. Identifiers: Orphanet 284232, MedGen C3280220, MONDO:0013644, OMIM 614228.
Cortical dysplasia, complex, with other brain malformations 13. Also called: Intellectual disability, autosomal dominant 13. Identifiers: MedGen C3281202, MONDO:0013805, OMIM 614563.

Allele frequency attached by ClinVar (database versions not stated): TOPMed below 0.00001; gnomAD exomes 0.00001.
gnomAD v4.1: 4 of 1,614,124 alleles (0.00025%); highest among the groups gnomAD compares: Admixed American, 0.0067%; no homozygotes.

Submissions (4):

Labcorp Genetics (formerly Invitae), Labcorp
Classification: Likely benign for Charcot-Marie-Tooth disease axonal type 2O. Last evaluated: 2025-01-28. Review status: criteria provided, single submitter. Criteria: Invitae Variant Classification Sherloc (09022015). Collection method: clinical testing. Allele origin: germline.

Revvity Omics, Revvity
Classification: Uncertain significance. Last evaluated: 2022-01-24. Review status: criteria provided, single submitter. Criteria: ACMG Guidelines, 2015. Collection method: clinical testing. Allele origin: germline.

New York Genome Center
Classification: Uncertain significance for Cortical dysplasia, complex, with other brain malformations 13. Last evaluated: 2021-06-21. Review status: criteria provided, single submitter. Criteria: NYGC Assertion Criteria 2020. Collection method: clinical testing. Allele origin: inherited. Observed: 1 heterozygote. Study: CSER-NYCKidSeq.

GeneDx
Classification: Uncertain significance. Last evaluated: 2017-05-11. Review status: criteria provided, single submitter. Criteria: GeneDx Variant Classification (06012015). Collection method: clinical testing. Allele origin: germline. Affected: yes.
Comment: The I2759V variant in the DYNC1H1 gene has not been reported previously as a pathogenic variant, nor as a benign variant, to our knowledge. The I2759V variant is not observed in large population cohorts (Lek et al., 2016; 1000 Genomes Consortium et al., 2015; Exome Variant Server). The I2759V variant is a conservative amino acid substitution, which is not likely to impact secondary protein structure as these residues share similar properties. This substitution occurs at a position that is conserved across species. In silico analysis is inconsistent in its predictions as to whether or not the variant is damaging to the protein structure/function. We interpret I2759V as a variant of uncertain significance.

NM_001376.5(DYNC1H1):c.8275A>G (p.Ile2759Val)

Gene: DYNC1H1 (dynein cytoplasmic 1 heavy chain 1; plus strand). Cytogenetic location: 14q32.31.
Variant type: single nucleotide variant.
Coding change: c.8275A>G on transcript NM_001376.5 (MANE Select); coding-DNA position 8275, A replaced by G.
Protein change: p.Ile2759Val; replaces isoleucine 2759 with valine.
Molecular consequence: missense variant.
Genome position (GRCh38, 1-based): chr14:102,018,548, A>G. VCF-style: chr14-102018548-A-G. GRCh37 (hg19) VCF-style: chr14-102484885-A-G.
Other names: short protein forms I2759V.
Identifiers: ClinVar variation 429556 (VCV000429556.9), dbSNP rs1131691452, ClinGen allele CA391005587.